The following is an entry in ClinVar:

ClinVar aggregate classification (germline): Uncertain significance. Review status: criteria provided, multiple submitters, no conflicts (2 of 4 stars). 4 submissions from 4 submitters: Uncertain significance (4). Last evaluated 2025-01-23.

Allele frequency attached by ClinVar (database versions not stated): gnomAD exomes 0.00005 and 0.00006; TOPMed 0.00006; ExAC 0.00010.
gnomAD v4.1: 83 of 1,613,990 alleles (0.0051%); highest among the groups gnomAD compares: Middle Eastern, 0.099%; no homozygotes.

Submissions (4):

Ambry Genetics
Classification: Uncertain significance. Last evaluated: 2025-01-23. Review status: criteria provided, single submitter. Criteria: Ambry Variant Classification Scheme 2023. Collection method: clinical testing. Allele origin: germline.

Labcorp Genetics (formerly Invitae), Labcorp
Classification: Uncertain significance. Last evaluated: 2024-10-28. Review status: criteria provided, single submitter. Criteria: Invitae Variant Classification Sherloc (09022015). Collection method: clinical testing. Allele origin: germline.
Comment: This sequence change replaces isoleucine, which is neutral and non-polar, with valine, which is neutral and non-polar, at codon 323 of the LARS protein (p.Ile323Val). This variant is present in population databases (rs754428997, gnomAD 0.008%). This variant has not been reported in the literature in individuals affected with LARS-related conditions. ClinVar contains an entry for this variant (Variation ID: 1343776). Invitae Evidence Modeling of protein sequence and biophysical properties (such as structural, functional, and spatial information, amino acid conservation, physicochemical variation, residue mobility, and thermodynamic stability) indicates that this missense variant is not expected to disrupt LARS protein function with a negative predictive value of 80%. In summary, the available evidence is currently insufficient to determine the role of this variant in disease. Therefore, it has been classified as a Variant of Uncertain Significance.

Women's Health and Genetics/Laboratory Corporation of America, LabCorp
Classification: Uncertain significance. Last evaluated: 2021-12-17. Review status: criteria provided, single submitter. Criteria: LabCorp Variant Classification Summary - May 2015. Collection method: clinical testing. Allele origin: germline.

Breakthrough Genomics
Classification: Uncertain significance. Review status: criteria provided, single submitter. Criteria: ACMG Guidelines, 2015. Collection method: not provided. Allele origin: germline. Inheritance: Autosomal recessive inheritance. Affected: yes.

NM_020117.11(LARS1):c.967A>G (p.Ile323Val)

Gene: LARS1 (leucyl-tRNA synthetase 1; minus strand). Cytogenetic location: 5q32.
Variant type: single nucleotide variant.
Coding change: c.967A>G on transcript NM_020117.11 (MANE Select); coding-DNA position 967, A replaced by G.
Protein change: p.Ile323Val; replaces isoleucine 323 with valine.
Molecular consequence: missense variant.
Genome position (GRCh38, 1-based): chr5:146,157,501, T>C on the plus strand (A>G on the coding strand, the complement: LARS1 is on the minus strand). VCF-style: chr5-146157501-T-C. GRCh37 (hg19) VCF-style: chr5-145537064-T-C.
Other names: c.829A>G, p.Ile277Val (NM_001317964.2); c.805A>G, p.Ile269Val (NM_001317965.2); c.886A>G, p.Ile296Val (NM_016460.4); c.967A>G (NM_020117.9); short protein forms I269V, I277V, I296V, I323V.
Identifiers: ClinVar variation 1343776 (VCV001343776.8), dbSNP rs754428997, ClinGen allele CA3489779.